The following is an entry in ClinVar:

ClinVar aggregate classification (germline): Pathogenic (1 of 4 stars; one submission).

Conditions:
Familial cancer of breast. Also called: BREAST CANCER, FAMILIAL; Hereditary breast cancer; hereditary breast carcinoma. Identifiers: Orphanet 227535, MedGen C0346153, MONDO:0016419, OMIM 114480. Disease mechanism: loss of function.

Submission:

Myriad Genetics, Inc.
Classification: Pathogenic for Familial cancer of breast. Last evaluated: 2026-03-27. Review status: criteria provided, single submitter. Criteria: Myriad Autosomal Dominant, Autosomal Recessive and X-Linked Classification Criteria (2023). Collection method: clinical testing. Allele origin: unknown.
Comment: This variant is considered pathogenic. This variant creates a frameshift predicted to result in premature protein truncation.

NM_000051.4(ATM):c.2327_2345dup (p.Cys783fs)

Gene: ATM (ATM serine/threonine kinase; plus strand). Cytogenetic location: 11q22.3.
Variant type: Duplication.
Coding change: c.2327_2345dup on transcript NM_000051.4 (MANE Select); coding-DNA positions 2327 to 2345, 19 bases duplicated (TGAGAAATATGATGCAGCT).
Protein change: p.Cys783fs; shifts the reading frame from cysteine 783.
Molecular consequence: frameshift variant.
Genome position (GRCh38, 1-based): chr11:108,257,557-108,257,575, TGAGAAATATGATGCAGCT duplicated; duplicating any 19 consecutive bases within chr11:108,257,555-108,257,575 gives the same sequence; the c. name uses the placement nearest the transcript's 3' end. VCF-style (leftmost placement, unchanged base first): chr11-108257554-C-CCTTGAGAAATATGATGCAG. GRCh37 (hg19) VCF-style: chr11-108128281-C-CCTTGAGAAATATGATGCAG.
Other names: c.2327_2345dup, p.Cys783fs (NM_001351834.2); short protein forms C783fs.
Identifiers: ClinVar variation 4856709 (VCV004856709.1).
Genomic context (GRCh38, chr11:108,257,554, plus strand): 5'-GTGCAGGAGAAAGTATCACTCTGTTTAAAAATAAGACAAATGAGGAATTCAGAATTGGTT[C>CCTTGAGAAATATGATGCAG]CTTGAGAAATATGATGCAGCTATGTACACGTTGCTTGAGCAACTGTACCAAGGTAAGATT-3'